The following is an entry in ClinVar:

NM_005045.4(RELN):c.7097T>A (p.Val2366Asp)

Gene: RELN (reelin; minus strand). Cytogenetic location: 7q22.1.
Variant type: single nucleotide variant.
Coding change: c.7097T>A on transcript NM_005045.4 (MANE Select); coding-DNA position 7097, T replaced by A.
Protein change: p.Val2366Asp; replaces valine 2366 with aspartic acid.
Molecular consequence: missense variant.
Genome position (GRCh38, 1-based): chr7:103,539,161, A>T on the plus strand (T>A on the coding strand, the complement: RELN is on the minus strand). VCF-style: chr7-103539161-A-T. GRCh37 (hg19) VCF-style: chr7-103179608-A-T.
Other names: c.7097T>A, p.Val2366Asp (NM_173054.3); short protein forms V2366D.
Identifiers: ClinVar variation 857964 (VCV000857964.12), dbSNP rs1830121221, ClinGen allele CA368769155.
Genomic context (GRCh38, chr7:103,539,161, plus strand): 5'-CAGGAGGCAGCGAAGTCTATCTGTAGGAAGGAATCCTCATTCACGGCAACGTCTGTGCTG[A>T]CCACGTAACGGGTGCTGGCCTTTTCAATGAAGACCAGGGCATCACCAGTAGAGCCACACA-3'
Protein context (NP_005036.2, residues 2356-2376): FIEKASTRYV[Val2366Asp]STDVAVNEDS

ClinVar aggregate classification (germline): Uncertain significance. Review status: criteria provided, multiple submitters, no conflicts (2 of 4 stars). 2 submissions from 2 submitters: Uncertain significance (2). Last evaluated 2023-04-25.

Conditions:
Familial temporal lobe epilepsy 7. Identifiers: Orphanet 101046, MedGen C4225327, MONDO:0014639, OMIM 616436.
Norman-Roberts syndrome (LIS2). Also called: Lissencephaly 2 (Norman-Roberts type). Identifiers: Orphanet 89844, MedGen C0796089, MONDO:0009760, OMIM 257320.

Submissions (2):

Greenwood Genetic Center Diagnostic Laboratories, Greenwood Genetic Center
Classification: Uncertain significance. Last evaluated: 2023-04-25. Review status: criteria provided, single submitter. Criteria: ACMG Guidelines, 2015. Collection method: clinical testing. Allele origin: germline. Affected: yes.
Comment: PM2

Labcorp Genetics (formerly Invitae), Labcorp
Classification: Uncertain significance for Familial temporal lobe epilepsy 7; Norman-Roberts syndrome. Last evaluated: 2022-10-31. Review status: criteria provided, single submitter. Criteria: Invitae Variant Classification Sherloc (09022015). Collection method: clinical testing. Allele origin: germline.
Comment: Advanced modeling of protein sequence and biophysical properties (such as structural, functional, and spatial information, amino acid conservation, physicochemical variation, residue mobility, and thermodynamic stability) performed at Invitae indicates that this missense variant is not expected to disrupt RELN protein function. In summary, the available evidence is currently insufficient to determine the role of this variant in disease. Therefore, it has been classified as a Variant of Uncertain Significance. ClinVar contains an entry for this variant (Variation ID: 857964). This sequence change replaces valine, which is neutral and non-polar, with aspartic acid, which is acidic and polar, at codon 2366 of the RELN protein (p.Val2366Asp). This variant is not present in population databases (gnomAD no frequency). This variant has not been reported in the literature in individuals affected with RELN-related conditions.